The following is an entry in ClinVar:

NM_005732.4(RAD50):c.1678A>C (p.Ser560Arg)

Gene: RAD50 (RAD50 double strand break repair protein; plus strand). Cytogenetic location: 5q31.1.
Variant type: single nucleotide variant.
Coding change: c.1678A>C on transcript NM_005732.4 (MANE Select); coding-DNA position 1678, A replaced by C.
Protein change: p.Ser560Arg; replaces serine 560 with arginine.
Molecular consequence: missense variant.
Genome position (GRCh38, 1-based): chr5:132,591,919, A>C. VCF-style: chr5-132591919-A-C. GRCh37 (hg19) VCF-style: chr5-131927611-A-C.
Other names: short protein forms S560R.
Identifiers: ClinVar variation 1355976 (VCV001355976.6), dbSNP rs1400827082, ClinGen allele CA360946414.

ClinVar aggregate classification (germline): Uncertain significance (1 of 4 stars; one submission).

Conditions:
Hereditary cancer-predisposing syndrome. Also called: Neoplastic Syndromes, Hereditary; Tumor predisposition; Hereditary neoplastic syndrome; Hereditary Cancer Syndrome. Identifiers: Orphanet 140162, MedGen C0027672, MeSH D009386, MONDO:0015356.

Submission:

Labcorp Genetics (formerly Invitae), Labcorp
Classification: Uncertain significance for Hereditary cancer-predisposing syndrome. Last evaluated: 2021-12-15. Review status: criteria provided, single submitter. Criteria: Invitae Variant Classification Sherloc (09022015). Collection method: clinical testing. Allele origin: germline.
Comment: This sequence change replaces serine, which is neutral and polar, with arginine, which is basic and polar, at codon 560 of the RAD50 protein (p.Ser560Arg). This variant is not present in population databases (gnomAD no frequency). This variant has not been reported in the literature in individuals affected with RAD50-related conditions. Algorithms developed to predict the effect of missense changes on protein structure and function (SIFT, PolyPhen-2, Align-GVGD) all suggest that this variant is likely to be tolerated. In summary, the available evidence is currently insufficient to determine the role of this variant in disease. Therefore, it has been classified as a Variant of Uncertain Significance.